The following is an entry in ClinVar:

ClinVar aggregate classification (germline): Uncertain significance (1 of 4 stars; one submission).

Conditions:
Epileptic encephalopathy. Identifiers: MedGen C0543888, HP:0200134.

Allele frequency attached by ClinVar (database versions not stated): gnomAD exomes 0.00001 and 0.00006; gnomAD 0.00002; ExAC 0.00004; TOPMed 0.00004; ESP Exome Variant Server 0.00008.
gnomAD v4.1: 86 of 1,604,668 alleles (0.0054%); highest among the groups gnomAD compares: Middle Eastern, 0.016%; no homozygotes.

Submission:

Labcorp Genetics (formerly Invitae), Labcorp
Classification: Uncertain significance for Epileptic encephalopathy. Last evaluated: 2022-09-23. Review status: criteria provided, single submitter. Criteria: Invitae Variant Classification Sherloc (09022015). Collection method: clinical testing. Allele origin: germline.
Comment: In summary, the available evidence is currently insufficient to determine the role of this variant in disease. Therefore, it has been classified as a Variant of Uncertain Significance. Algorithms developed to predict the effect of missense changes on protein structure and function output the following: SIFT: "Tolerated"; PolyPhen-2: "Benign"; Align-GVGD: "Class C0". The leucine amino acid residue is found in multiple mammalian species, which suggests that this missense change does not adversely affect protein function. ClinVar contains an entry for this variant (Variation ID: 650358). This variant has not been reported in the literature in individuals affected with FASN-related conditions. This variant is present in population databases (rs370340494, gnomAD 0.004%). This sequence change replaces proline, which is neutral and non-polar, with leucine, which is neutral and non-polar, at codon 410 of the FASN protein (p.Pro410Leu).

NM_004104.5(FASN):c.1229C>T (p.Pro410Leu)

Gene: FASN (fatty acid synthase; minus strand). Cytogenetic location: 17q25.3.
Variant type: single nucleotide variant.
Coding change: c.1229C>T on transcript NM_004104.5 (MANE Select); coding-DNA position 1229, C replaced by T.
Protein change: p.Pro410Leu; replaces proline 410 with leucine.
Molecular consequence: missense variant.
Genome position (GRCh38, 1-based): chr17:82,091,485, G>A on the plus strand (C>T on the coding strand, the complement: FASN is on the minus strand). VCF-style: chr17-82091485-G-A. GRCh37 (hg19) VCF-style: chr17-80049361-G-A.
Other names: short protein forms P410L.
Identifiers: ClinVar variation 650358 (VCV000650358.10), dbSNP rs370340494, ClinGen allele CA8853222.